The following is an entry in ClinVar:

NM_001122681.2(SH3BP2):c.1033C>G (p.Pro345Ala)

Gene: SH3BP2 (SH3 domain binding protein 2; plus strand). Cytogenetic location: 4p16.3.
Variant type: single nucleotide variant.
Coding change: c.1033C>G on transcript NM_001122681.2 (MANE Select); coding-DNA position 1033, C replaced by G.
Protein change: p.Pro345Ala; replaces proline 345 with alanine.
Molecular consequence: missense variant.
Genome position (GRCh38, 1-based): chr4:2,829,939, C>G. VCF-style: chr4-2829939-C-G. GRCh37 (hg19) VCF-style: chr4-2831666-C-G.
Other names: c.1033C>G, p.Pro345Ala (LRG_1334t1, NM_003023.4); c.1117C>G, p.Pro373Ala (LRG_1334t2, NM_001145855.2); c.1204C>G, p.Pro402Ala (NM_001145856.2); short protein forms P373A, P402A, P345A.
Identifiers: ClinVar variation 643844 (VCV000643844.8), dbSNP rs1317170986, ClinGen allele CA356056847.

ClinVar aggregate classification (germline): Uncertain significance (1 of 4 stars; one submission).

Conditions:
Fibrous dysplasia of jaw (CRBM). Also called: Cherubism. Identifiers: Orphanet 184, MedGen C0008029, MONDO:0007315, OMIM 118400.

Allele frequency attached by ClinVar (database versions not stated): gnomAD exomes below 0.00001; TOPMed 0.00001.
gnomAD v4.1: 1 of 1,613,548 alleles (0.000062%); highest among the groups gnomAD compares: East Asian, 0.0022%; no homozygotes.

Submission:

Labcorp Genetics (formerly Invitae), Labcorp
Classification: Uncertain significance for Fibrous dysplasia of jaw. Last evaluated: 2024-09-14. Review status: criteria provided, single submitter. Criteria: Invitae Variant Classification Sherloc (09022015). Collection method: clinical testing. Allele origin: germline.
Comment: This sequence change replaces proline, which is neutral and non-polar, with alanine, which is neutral and non-polar, at codon 345 of the SH3BP2 protein (p.Pro345Ala). This variant is present in population databases (no rsID available, gnomAD 0.006%). This variant has not been reported in the literature in individuals affected with SH3BP2-related conditions. ClinVar contains an entry for this variant (Variation ID: 643844). Invitae Evidence Modeling of protein sequence and biophysical properties (such as structural, functional, and spatial information, amino acid conservation, physicochemical variation, residue mobility, and thermodynamic stability) indicates that this missense variant is not expected to disrupt SH3BP2 protein function with a negative predictive value of 95%. In summary, the available evidence is currently insufficient to determine the role of this variant in disease. Therefore, it has been classified as a Variant of Uncertain Significance.